The following is an entry in ClinVar:

ClinVar aggregate classification (germline): Uncertain significance (1 of 4 stars; one submission).

Submission:

CeGaT Center for Human Genetics Tuebingen
Classification: Uncertain significance. Last evaluated: 2024-07-01. Review status: criteria provided, single submitter. Criteria: CeGaT Center For Human Genetics Tuebingen Variant Classification Criteria Version 2. Collection method: clinical testing. Allele origin: germline. Affected: yes. Observed: 1 variant allele.
Comment: DLK1: PM2, BP4

NM_003836.7(DLK1):c.1056G>T (p.Gln352His)

Gene: DLK1 (delta like non-canonical Notch ligand 1; plus strand). Cytogenetic location: 14q32.2.
Variant type: single nucleotide variant.
Coding change: c.1056G>T on transcript NM_003836.7 (MANE Select); coding-DNA position 1056, G replaced by T.
Protein change: p.Gln352His; replaces glutamine 352 with histidine.
Molecular consequence: missense variant.
Genome position (GRCh38, 1-based): chr14:100,734,800, G>T. VCF-style: chr14-100734800-G-T. GRCh37 (hg19) VCF-style: chr14-101201137-G-T.
Other names: c.837G>T, p.Gln279His (NM_001317172.2); short protein forms Q279H, Q352H.
Identifiers: ClinVar variation 3257480 (VCV003257480.17).
Genomic context (GRCh38, chr14:100,734,800, plus strand): 5'-CTGGGTGTCCAACCTGCGCTACAACCACATGCTGCGGAAGAAGAAGAACCTGCTGCTTCA[G>T]TACAACAGCGGGGAGGACCTGGCCGTCAACATCATCTTCCCCGAGAAGATCGACATGACC-3'
Protein context (NP_003827.4, residues 342-362): MLRKKKNLLL[Gln352His]YNSGEDLAVN